The following is an entry in ClinVar:

NM_000081.4(LYST):c.11323G>A (p.Val3775Met)

Gene: LYST (lysosomal trafficking regulator; minus strand). Cytogenetic location: 1q42.3.
Variant type: single nucleotide variant.
Coding change: c.11323G>A on transcript NM_000081.4 (MANE Select); coding-DNA position 11323, G replaced by A.
Protein change: p.Val3775Met; replaces valine 3775 with methionine.
Molecular consequence: missense variant.
Genome position (GRCh38, 1-based): chr1:235,663,023, C>T on the plus strand (G>A on the coding strand, the complement: LYST is on the minus strand). VCF-style: chr1-235663023-C-T. GRCh37 (hg19) VCF-style: chr1-235826323-C-T.
Other names: c.11323G>A, p.Val3775Met (NM_001301365.1); short protein forms V3775M.
Identifiers: ClinVar variation 856610 (VCV000856610.5), dbSNP rs1163719478, ClinGen allele CA344984214.

ClinVar aggregate classification (germline): Uncertain significance. Review status: criteria provided, multiple submitters, no conflicts (2 of 4 stars). 2 submissions from 2 submitters: Uncertain significance (2). Last evaluated 2024-10-11.

Conditions:
Chédiak-Higashi syndrome (CHS). Also called: Chediak-Higashi Syndrome. Identifiers: Orphanet 167, MedGen C0007965, MONDO:0008963, OMIM 214500.

Allele frequency attached by ClinVar (database versions not stated): TOPMed below 0.00001; gnomAD 0.00002.
gnomAD v4.1: 39 of 1,613,838 alleles (0.0024%); highest among the groups gnomAD compares: Non-Finnish European, 0.0031%; no homozygotes.

Submissions (2):

Blueprint Genetics
Classification: Uncertain significance. Last evaluated: 2024-10-11. Review status: criteria provided, single submitter. Criteria: ACMG Guidelines, 2015. Collection method: clinical testing. Allele origin: germline.

Labcorp Genetics (formerly Invitae), Labcorp
Classification: Uncertain significance for Chédiak-Higashi syndrome. Last evaluated: 2022-10-13. Review status: criteria provided, single submitter. Criteria: Invitae Variant Classification Sherloc (09022015). Collection method: clinical testing. Allele origin: germline.
Comment: This sequence change replaces valine, which is neutral and non-polar, with methionine, which is neutral and non-polar, at codon 3775 of the LYST protein (p.Val3775Met). This variant is not present in population databases (gnomAD no frequency). This variant has not been reported in the literature in individuals affected with LYST-related conditions. ClinVar contains an entry for this variant (Variation ID: 856610). Advanced modeling of protein sequence and biophysical properties (such as structural, functional, and spatial information, amino acid conservation, physicochemical variation, residue mobility, and thermodynamic stability) has been performed at Invitae for this missense variant, however the output from this modeling did not meet the statistical confidence thresholds required to predict the impact of this variant on LYST protein function. In summary, the available evidence is currently insufficient to determine the role of this variant in disease. Therefore, it has been classified as a Variant of Uncertain Significance.